The following is an entry in ClinVar:

NM_015141.4(GPD1L):c.700C>A (p.Leu234Ile)

Gene: GPD1L (glycerol-3-phosphate dehydrogenase 1 like; plus strand). Cytogenetic location: 3p22.3.
Variant type: single nucleotide variant.
Coding change: c.700C>A on transcript NM_015141.4 (MANE Select); coding-DNA position 700, C replaced by A.
Protein change: p.Leu234Ile; replaces leucine 234 with isoleucine.
Molecular consequence: missense variant.
Genome position (GRCh38, 1-based): chr3:32,158,957, C>A. VCF-style: chr3-32158957-C-A. GRCh37 (hg19) VCF-style: chr3-32200449-C-A.
Other names: short protein forms L234I.
Identifiers: ClinVar variation 5022487 (VCV005022487.1).

ClinVar aggregate classification (germline): Uncertain significance (1 of 4 stars; one submission).

Conditions:
Cardiovascular phenotype. Identifiers: MedGen CN230736.

Submission:

Ambry Genetics
Classification: Uncertain significance for Cardiovascular phenotype. Last evaluated: 2026-08-19. Review status: criteria provided, single submitter. Criteria: Ambry Variant Classification Scheme 2023. Collection method: clinical testing. Allele origin: germline.
Comment: The p.L234I variant (also known as c.700C>A), located in coding exon 6 of the GPD1L gene, results from a C to A substitution at nucleotide position 700. The leucine at codon 234 is replaced by isoleucine, an amino acid with highly similar properties. This amino acid position is conserved. In addition, the in silico prediction for this alteration is inconclusive. Based on the available evidence, the clinical significance of this variant remains unclear.